The following is an entry in ClinVar:

ClinVar aggregate classification (germline): Uncertain significance (1 of 4 stars; one submission).

Conditions:
Seizures, early-onset, with neurodegeneration and brain calcifications. Identifiers: MedGen C5394359, MONDO:0030033, OMIM 618875.

Allele frequency attached by ClinVar (database versions not stated): gnomAD 0.00001.
gnomAD v4.1: 9 of 1,607,244 alleles (0.00056%); highest among the groups gnomAD compares: East Asian, 0.0045%; no homozygotes.

Submission:

Laboratorio de Genetica e Diagnostico Molecular, Hospital Israelita Albert Einstein
Classification: Uncertain significance for Seizures, early-onset, with neurodegeneration and brain calcifications. Last evaluated: 2022-08-12. Review status: criteria provided, single submitter. Criteria: ACMG Guidelines, 2015. Collection method: clinical testing. Allele origin: germline. Affected: yes. Observed: 1 variant allele.
Comment: ACMG classification criteria: PM2 moderated, BP4 supporting

NM_198565.3(NRROS):c.1843G>A (p.Asp615Asn)

Gene: NRROS (negative regulator of reactive oxygen species; plus strand). Cytogenetic location: 3q29.
Variant type: single nucleotide variant.
Coding change: c.1843G>A on transcript NM_198565.3 (MANE Select); coding-DNA position 1843, G replaced by A.
Protein change: p.Asp615Asn; replaces aspartic acid 615 with asparagine.
Molecular consequence: missense variant.
Genome position (GRCh38, 1-based): chr3:196,661,486, G>A. VCF-style: chr3-196661486-G-A. GRCh37 (hg19) VCF-style: chr3-196388357-G-A.
Other names: short protein forms D615N.
Identifiers: ClinVar variation 2431433 (VCV002431433.1), dbSNP rs1560057330, ClinGen allele CA355633385.